The following is an entry in ClinVar:

NM_171998.4(RAB39B):c.*1813C>A

Gene: RAB39B (RAB39B, member RAS oncogene family; minus strand). Cytogenetic location: Xq28.
Variant type: single nucleotide variant.
Coding change: c.*1813C>A on transcript NM_171998.4 (MANE Select); 1813 bases downstream of the stop codon, C replaced by A.
Molecular consequence: 3 prime UTR variant.
Genome position (GRCh38, 1-based): chrX:155,258,990, G>T on the plus strand (C>A on the coding strand, the complement: RAB39B is on the minus strand). VCF-style: chrX-155258990-G-T. GRCh37 (hg19) VCF-style: chrX-154488275-G-T.
Identifiers: ClinVar variation 368131 (VCV000368131.5), dbSNP rs17052030, ClinGen allele CA10654286.

ClinVar aggregate classification (germline): Benign (1 of 4 stars; one submission).

Conditions:
Intellectual developmental disorder, X-linked 72. Also called: Intellectual disability, X-linked 72. Identifiers: Orphanet 777, MedGen C1846038, MONDO:0010289, OMIM 300271.

Allele frequency attached by ClinVar (database versions not stated): gnomAD 0.03516; 1000 Genomes Project 30x 0.04391; 1000 Genomes Project 0.04212; TOPMed 0.03992.

Submission:

Illumina Laboratory Services, Illumina
Classification: Benign for Intellectual developmental disorder, X-linked 72. Last evaluated: 2018-01-13. Review status: criteria provided, single submitter. Criteria: ICSL Variant Classification Criteria 13 December 2019. Collection method: clinical testing. Allele origin: germline.
Comment: This variant was observed in the ICSL laboratory as part of a predisposition screen in an ostensibly healthy population. It had not been previously curated by ICSL or reported in the Human Gene Mutation Database (HGMD: prior to June 1st, 2018), and was therefore a candidate for classification through an automated scoring system. Utilizing variant allele frequency, disease prevalence and penetrance estimates, and inheritance mode, an automated score was calculated to assess if this variant is too frequent to cause the disease. Based on the score and internal cut-off values, a variant classified as benign is not then subjected to further curation. The score for this variant resulted in a classification of benign for this disease.